The following is an entry in ClinVar:

ClinVar aggregate classification (germline): Conflicting classifications of pathogenicity. Review status: criteria provided, conflicting classifications (1 of 4 stars). 4 submissions from 4 submitters: Uncertain significance (3); Benign (1). Last evaluated 2025-02-26.

Conditions:
Hereditary cancer-predisposing syndrome. Also called: Hereditary Cancer Syndrome; Neoplastic Syndromes, Hereditary; Tumor predisposition; Hereditary neoplastic syndrome. Identifiers: Orphanet 140162, MedGen C0027672, MeSH D009386, MONDO:0015356.
Peutz-Jeghers syndrome (PJS). Also called: Peutz-Jeghers polyposis; Periorificial lentiginosis syndrome; POLYPOSIS, HAMARTOMATOUS INTESTINAL; POLYPS-AND-SPOTS SYNDROME. Identifiers: Orphanet 2869, MedGen C0031269, MeSH D010580, MONDO:0008280, OMIM 175200.

Allele frequency attached by ClinVar (database versions not stated): gnomAD 0.00001; TOPMed 0.00001.
gnomAD v4.1: 8 of 1,611,186 alleles (0.0005%); highest among the groups gnomAD compares: South Asian, 0.0044%; no homozygotes.

Submissions (4):

Labcorp Genetics (formerly Invitae), Labcorp
Classification: Uncertain significance for Peutz-Jeghers syndrome. Last evaluated: 2025-02-26. Review status: criteria provided, single submitter. Criteria: Invitae Variant Classification Sherloc (09022015). Collection method: clinical testing. Allele origin: germline.
Comment: This sequence change replaces alanine, which is neutral and non-polar, with threonine, which is neutral and polar, at codon 377 of the STK11 protein (p.Ala377Thr). This variant is present in population databases (rs768870802, gnomAD 0.007%). This variant has not been reported in the literature in individuals affected with STK11-related conditions. ClinVar contains an entry for this variant (Variation ID: 630400). Invitae Evidence Modeling of protein sequence and biophysical properties (such as structural, functional, and spatial information, amino acid conservation, physicochemical variation, residue mobility, and thermodynamic stability) indicates that this missense variant is not expected to disrupt STK11 protein function with a negative predictive value of 95%. In summary, the available evidence is currently insufficient to determine the role of this variant in disease. Therefore, it has been classified as a Variant of Uncertain Significance.

Color Diagnostics, LLC DBA Color Health
Classification: Uncertain significance for Hereditary cancer-predisposing syndrome. Last evaluated: 2024-03-06. Review status: criteria provided, single submitter. Criteria: ACMG Guidelines, 2015. Collection method: clinical testing. Allele origin: germline.
Comment: This missense variant replaces alanine with threonine at codon 377 of the STK11 protein. Computational prediction suggests that this variant may not impact protein structure and function (internally defined REVEL score threshold <= 0.5, PMID: 27666373). To our knowledge, functional studies have not been reported for this variant. This variant has not been reported in individuals affected with STK11-related disorders in the literature. This variant has been identified in 3/273092 chromosomes in the general population by the Genome Aggregation Database (gnomAD). The available evidence is insufficient to determine the role of this variant in disease conclusively. Therefore, this variant is classified as a Variant of Uncertain Significance.

Ambry Genetics
Classification: Benign for Hereditary cancer-predisposing syndrome. Last evaluated: 2023-01-18. Review status: criteria provided, single submitter. Criteria: Ambry Variant Classification Scheme 2023. Collection method: clinical testing. Allele origin: germline.

Genome-Nilou Lab
Classification: Uncertain significance for Peutz-Jeghers syndrome. Last evaluated: 2021-07-15. Review status: criteria provided, single submitter. Criteria: ACMG Guidelines, 2015. Collection method: clinical testing. Allele origin: germline. Affected: no.

NM_000455.5(STK11):c.1129G>A (p.Ala377Thr)

Gene: STK11 (serine/threonine kinase 11; plus strand). Cytogenetic location: 19p13.3.
Variant type: single nucleotide variant.
Coding change: c.1129G>A on transcript NM_000455.5 (MANE Select); coding-DNA position 1129, G replaced by A.
Protein change: p.Ala377Thr; replaces alanine 377 with threonine.
Molecular consequence: missense variant.
Genome position (GRCh38, 1-based): chr19:1,226,474, G>A. VCF-style: chr19-1226474-G-A. GRCh37 (hg19) VCF-style: chr19-1226473-G-A.
Other names: short protein forms A377T.
Identifiers: ClinVar variation 630400 (VCV000630400.23), dbSNP rs768870802, ClinGen allele CA304033486.